The following is an entry in ClinVar:

NM_014000.3(VCL):c.1652T>C (p.Leu551Pro)

Gene: VCL (vinculin; plus strand). Cytogenetic location: 10q22.2.
Variant type: single nucleotide variant.
Coding change: c.1652T>C on transcript NM_014000.3 (MANE Select); coding-DNA position 1652, T replaced by C.
Protein change: p.Leu551Pro; replaces leucine 551 with proline.
Molecular consequence: missense variant.
Genome position (GRCh38, 1-based): chr10:74,095,764, T>C. VCF-style: chr10-74095764-T-C. GRCh37 (hg19) VCF-style: chr10-75855522-T-C.
Other names: c.1652T>C, p.Leu551Pro (NM_003373.4); short protein forms L551P.
Identifiers: ClinVar variation 391902 (VCV000391902.2), dbSNP rs1057524278, ClinGen allele CA16605914.

ClinVar aggregate classification (germline): Uncertain significance (1 of 4 stars; one submission).

Submission:

GeneDx
Classification: Uncertain significance. Last evaluated: 2016-12-22. Review status: criteria provided, single submitter. Criteria: GeneDx Variant Classification (06012015). Collection method: clinical testing. Allele origin: germline. Affected: yes.
Comment: A variant of uncertain significance has been identified in the VCL gene. The L551P variant has not been published as a pathogenic variant, nor has it been reported as a benign variant to our knowledge. This variant was not observed in approximately 6,500 individuals of European and African American ancestry in the NHLBI Exome Sequencing Project, and was not observed in the Exome Aggregation Consortium (ExAC), indicating it is not a common benign variant in these populations. Additionally, L551P is a semi-conservative amino acid substitution, which may impact secondary protein structure as these residues differ in some properties. Furthermore, this substitution occurs at a position that is conserved across species and in silico analysis predicts this variant is probably damaging to the protein structure/function.However, additional evidence is needed to determine whether this variant is pathogenic or benign.